The following is an entry in ClinVar:

NM_001105206.3(LAMA4):c.64T>C (p.Ser22Pro)

Genes: LAMA4-AS1 (LAMA4 antisense RNA 1; plus strand), LAMA4 (laminin subunit alpha 4; minus strand). Cytogenetic location: 6q21.
Variant type: single nucleotide variant.
Coding change: c.64T>C on transcript NM_001105206.3 (MANE Select); coding-DNA position 64, T replaced by C.
Protein change: p.Ser22Pro; replaces serine 22 with proline.
Molecular consequence: missense variant.
Genome position (GRCh38, 1-based): chr6:112,254,087, A>G on the plus strand (T>C on the coding strand, the complement: LAMA4 is on the minus strand). VCF-style: chr6-112254087-A-G. GRCh37 (hg19) VCF-style: chr6-112575289-A-G.
Other names: c.64T>C, p.Ser22Pro (NM_001105207.3, NM_001105208.3, NM_001105209.3 and 1 more transcripts); short protein forms S22P.
Identifiers: ClinVar variation 1753909 (VCV001753909.5), dbSNP rs1554190524, ClinGen allele CA365518917.

ClinVar aggregate classification (germline): Uncertain significance. Review status: criteria provided, multiple submitters, no conflicts (2 of 4 stars). 2 submissions from 2 submitters: Uncertain significance (2). Last evaluated 2025-08-31.

Conditions:
Cardiovascular phenotype. Identifiers: MedGen CN230736.
Dilated cardiomyopathy 1JJ (CMD1JJ). Identifiers: Orphanet 154, MedGen C3808935, MONDO:0014095, OMIM 615235.

Allele frequency attached by ClinVar (database versions not stated): gnomAD exomes below 0.00001.
gnomAD v4.1: 1 of 1,612,372 alleles (0.000062%); highest among the groups gnomAD compares: Non-Finnish European, 0.000085%; no homozygotes.

Submissions (2):

Ambry Genetics
Classification: Uncertain significance for Cardiovascular phenotype. Last evaluated: 2025-08-31. Review status: criteria provided, single submitter. Criteria: Ambry Variant Classification Scheme 2023. Collection method: clinical testing. Allele origin: germline.
Comment: The p.S22P variant (also known as c.64T>C), located in coding exon 1 of the LAMA4 gene, results from a T to C substitution at nucleotide position 64. The serine at codon 22 is replaced by proline, an amino acid with similar properties. This amino acid position is conserved. In addition, this alteration is predicted to be tolerated by in silico analysis. Since supporting evidence is limited at this time, the clinical significance of this alteration remains unclear.

Labcorp Genetics (formerly Invitae), Labcorp
Classification: Uncertain significance for Dilated cardiomyopathy 1JJ. Last evaluated: 2024-10-07. Review status: criteria provided, single submitter. Criteria: Invitae Variant Classification Sherloc (09022015). Collection method: clinical testing. Allele origin: germline.
Comment: This sequence change replaces serine, which is neutral and polar, with proline, which is neutral and non-polar, at codon 22 of the LAMA4 protein (p.Ser22Pro). The frequency data for this variant in the population databases is considered unreliable, as metrics indicate poor data quality at this position in the gnomAD database. This variant has not been reported in the literature in individuals affected with LAMA4-related conditions. ClinVar contains an entry for this variant (Variation ID: 1753909). An algorithm developed to predict the effect of missense changes on protein structure and function (PolyPhen-2) suggests that this variant is likely to be tolerated. In summary, the available evidence is currently insufficient to determine the role of this variant in disease. Therefore, it has been classified as a Variant of Uncertain Significance.